The following is an entry in ClinVar:

ClinVar aggregate classification (germline): Pathogenic (1 of 4 stars; one submission).

Submission:

Labcorp Genetics (formerly Invitae), Labcorp
Classification: Pathogenic. Last evaluated: 2023-10-22. Review status: criteria provided, single submitter. Criteria: Invitae Variant Classification Sherloc (09022015). Collection method: clinical testing. Allele origin: germline.
Comment: A gross deletion of the genomic region encompassing the full coding sequence of the TMPRSS3 gene has been identified. Loss-of-function variants in TMPRSS3 are known to be pathogenic (PMID: 16021470, 26969326). The boundaries of this event are unknown as they extend beyond the assayed region for this gene and therefore may encompass additional genes. This variant has not been reported in the literature in individuals affected with TMPRSS3-related conditions. For these reasons, this variant has been classified as Pathogenic.

Literature cited by the submitters: PubMed 16021470; PubMed 26969326.

NC_000021.8:g.(?_43792871)_(43815526_?)del

Gene: TMPRSS3 (transmembrane serine protease 3; minus strand). Cytogenetic location: 21q22.3.
Variant type: Deletion.
Identifiers: ClinVar variation 1363492 (VCV001363492.4).